The following is an entry in ClinVar:

ClinVar aggregate classification (germline): Likely pathogenic (1 of 4 stars; one submission).

Conditions:
INF2-related disorder. Also called: INF2-related condition.

Submission:

PreventionGenetics, part of Exact Sciences
Classification: Likely pathogenic for INF2-related condition. Last evaluated: 2026-08-13. Review status: criteria provided, single submitter. Criteria: ACMG Guidelines, 2015. Collection method: clinical testing. Allele origin: germline.
Comment: The INF2 c.197_199dupTGC variant is predicted to result in an in-frame duplication (p.Val66_Gln67insLeu). To our knowledge, this variant has not been reported in the literature or in a large population database (gnomAD), indicating this variant is rare. This variant occurs within the N-terminal diaphanous inhibitory domain (DID; amino acids 2–281) of INF2 in which pathogenic variants are clustered (Labat-de-Hoz et al. 2024. PubMed ID: 39586895). This variant is interpreted as likely pathogenic.

NM_022489.4(INF2):c.197_199dup (p.Val66_Gln67insLeu)

Gene: INF2 (inverted formin 2; plus strand). Cytogenetic location: 14q32.33.
Variant type: Duplication.
Coding change: c.197_199dup on transcript NM_022489.4 (MANE Select); coding-DNA positions 197 to 199, 3 bases duplicated (TGC; older notation c.197_199dupTGC).
Protein change: p.Val66_Gln67insLeu.
Molecular consequence: inframe insertion. On other transcripts: non-coding transcript variant (1).
Genome position (GRCh38, 1-based): chr14:104,701,562-104,701,564, TGC duplicated. VCF-style (leftmost placement, unchanged base first): chr14-104701561-G-GTGC. GRCh37 (hg19) VCF-style: chr14-105167898-G-GTGC.
Other names: c.197_199dup, p.Val66_Gln67insLeu (NM_001031714.4, NM_001426862.1, NM_001426863.1 and 6 more transcripts).
Identifiers: ClinVar variation 4983744 (VCV004983744.1).
Genomic context (GRCh38, chr14:104,701,561, plus strand): 5'-TCTGTGGTCAACTACTCCGGCCTGCGCAAGCGCCTGGAGGGCAGCGACGGCGGCTGGATG[G>GTGC]TGCAGTTCCTGGAGCAGAGCGGCCTGGACCTGCTGCTGGAGGCGCTGGCGCGGCTGTCGG-3'